The following is an entry in ClinVar:

ClinVar aggregate classification (germline): Conflicting classifications of pathogenicity. Review status: criteria provided, conflicting classifications (1 of 4 stars). 4 submissions from 4 submitters: Uncertain significance (3); Likely benign (1). Last evaluated 2026-05-13.

Conditions:
Tuberous sclerosis 1 (TSC1). Identifiers: Orphanet 805, MedGen C1854465, MONDO:0008612, OMIM 191100.
Hereditary cancer-predisposing syndrome. Also called: Tumor predisposition; Neoplastic Syndromes, Hereditary; Hereditary neoplastic syndrome; Hereditary Cancer Syndrome. Identifiers: Orphanet 140162, MedGen C0027672, MeSH D009386, MONDO:0015356.
Isolated focal cortical dysplasia type II (FCORD2). Also called: CORTICAL DYSPLASIA OF TAYLOR; Focal cortical dysplasia type II. Identifiers: Orphanet 268994, MedGen C1846385, MONDO:0011818, OMIM 607341, HP:0032051.

Submissions (4):

Helix
Classification: Uncertain significance for Tuberous sclerosis 1. Last evaluated: 2026-05-13. Review status: criteria provided, single submitter. Criteria: ACMG Guidelines, 2015. Collection method: clinical testing. Allele origin: germline. Inheritance: Autosomal dominant inheritance.
Comment: This variant (NM_000368.5:c.2680C>T p.His894Tyr) results in the substitution of histidine with tyrosine at codon 894 in the TSC1 protein. It is a rare variant that is absent from the large gnomAD population database (v4.1). To our knowledge, this variant has not been reported in individuals with TSC1-related conditions in the published literature. In silico prediction from REVEL (PMID: 27666373) suggests that this variant may be benign. This variant is present in ClinVar (Accession: VCV000834337.12). In conclusion, since the available evidence is limited, the clinical significance of this variant is unclear at this time. Therefore, it is classified as a Variant of Uncertain Significance.

Labcorp Genetics (formerly Invitae), Labcorp
Classification: Uncertain significance for Tuberous sclerosis 1. Last evaluated: 2025-06-23. Review status: criteria provided, single submitter. Criteria: Invitae Variant Classification Sherloc (09022015). Collection method: clinical testing. Allele origin: germline.
Comment: This sequence change replaces histidine, which is basic and polar, with tyrosine, which is neutral and polar, at codon 894 of the TSC1 protein (p.His894Tyr). This variant is not present in population databases (gnomAD no frequency). This variant has not been reported in the literature in individuals affected with TSC1-related conditions. ClinVar contains an entry for this variant (Variation ID: 834337). Invitae Evidence Modeling of protein sequence and biophysical properties (such as structural, functional, and spatial information, amino acid conservation, physicochemical variation, residue mobility, and thermodynamic stability) indicates that this missense variant is not expected to disrupt TSC1 protein function with a negative predictive value of 95%. In summary, the available evidence is currently insufficient to determine the role of this variant in disease. Therefore, it has been classified as a Variant of Uncertain Significance.

Ambry Genetics
Classification: Likely benign for Hereditary cancer-predisposing syndrome. Last evaluated: 2024-11-07. Review status: criteria provided, single submitter. Criteria: Ambry Variant Classification Scheme 2023. Collection method: clinical testing. Allele origin: germline.

Baylor Genetics
Classification: Uncertain significance for Isolated focal cortical dysplasia type II. Last evaluated: 2024-01-29. Review status: criteria provided, single submitter. Criteria: ACMG Guidelines, 2015. Collection method: clinical testing. Allele origin: unknown.

NM_000368.5(TSC1):c.2680C>T (p.His894Tyr)

Gene: TSC1 (TSC complex subunit 1; minus strand). Cytogenetic location: 9q34.13.
Variant type: single nucleotide variant.
Coding change: c.2680C>T on transcript NM_000368.5 (MANE Select); coding-DNA position 2680, C replaced by T.
Protein change: p.His894Tyr; replaces histidine 894 with tyrosine.
Molecular consequence: missense variant.
Genome position (GRCh38, 1-based): chr9:132,897,556, G>A on the plus strand (C>T on the coding strand, the complement: TSC1 is on the minus strand). VCF-style: chr9-132897556-G-A. GRCh37 (hg19) VCF-style: chr9-135772943-G-A.
Other names: c.2677C>T, p.His893Tyr (NM_001162426.2); c.2527C>T, p.His843Tyr (NM_001162427.2); c.2317C>T, p.His773Tyr (NM_001362177.2); short protein forms H843Y, H773Y, H893Y, H894Y.
Identifiers: ClinVar variation 834337 (VCV000834337.13), dbSNP rs1845148693, ClinGen allele CA375369500.